The following is an entry in ClinVar:

ClinVar aggregate classification (germline): Uncertain significance (1 of 4 stars; one submission).

Submission:

Labcorp Genetics (formerly Invitae), Labcorp
Classification: Uncertain significance. Last evaluated: 2025-04-16. Review status: criteria provided, single submitter. Criteria: Invitae Variant Classification Sherloc (09022015). Collection method: clinical testing. Allele origin: germline.
Comment: This sequence change replaces threonine, which is neutral and polar, with serine, which is neutral and polar, at codon 2067 of the POLE protein (p.Thr2067Ser). This variant is not present in population databases (gnomAD no frequency). This variant has not been reported in the literature in individuals affected with POLE-related conditions. Invitae Evidence Modeling of protein sequence and biophysical properties (such as structural, functional, and spatial information, amino acid conservation, physicochemical variation, residue mobility, and thermodynamic stability) indicates that this missense variant is not expected to disrupt POLE protein function with a negative predictive value of 80%. In summary, the available evidence is currently insufficient to determine the role of this variant in disease. Therefore, it has been classified as a Variant of Uncertain Significance.

NM_006231.4(POLE):c.6200C>G (p.Thr2067Ser)

Gene: POLE (DNA polymerase epsilon, catalytic subunit; minus strand). Cytogenetic location: 12q24.33.
Variant type: single nucleotide variant.
Coding change: c.6200C>G on transcript NM_006231.4 (MANE Select); coding-DNA position 6200, C replaced by G.
Protein change: p.Thr2067Ser; replaces threonine 2067 with serine.
Molecular consequence: missense variant.
Genome position (GRCh38, 1-based): chr12:132,632,445, G>C on the plus strand (C>G on the coding strand, the complement: POLE is on the minus strand). VCF-style: chr12-132632445-G-C. GRCh37 (hg19) VCF-style: chr12-133209031-G-C.
Other names: short protein forms T2067S.
Identifiers: ClinVar variation 4742091 (VCV004742091.1).